The following is an entry in ClinVar:

NM_001034116.2(EIF2B4):c.1201G>A (p.Val401Met)

Genes: EIF2B4 (eukaryotic translation initiation factor 2B subunit delta; minus strand), GTF3C2-AS2 (GTF3C2 antisense RNA 2; plus strand). Cytogenetic location: 2p23.3.
Variant type: single nucleotide variant.
Coding change: c.1201G>A on transcript NM_001034116.2 (MANE Select); coding-DNA position 1201, G replaced by A.
Protein change: p.Val401Met; replaces valine 401 with methionine.
Molecular consequence: missense variant.
Genome position (GRCh38, 1-based): chr2:27,364,889, C>T on the plus strand (G>A on the coding strand, the complement: EIF2B4 is on the minus strand). VCF-style: chr2-27364889-C-T. GRCh37 (hg19) VCF-style: chr2-27587756-C-T.
Other names: c.1264G>A, p.Val422Met (NM_001318965.2); c.1156G>A, p.Val386Met (NM_001318966.2); c.1108G>A, p.Val370Met (NM_001318967.2); c.616G>A, p.Val206Met (NM_001318968.2); c.583G>A, p.Val195Met (NM_001318969.2); c.1198G>A, p.Val400Met (NM_015636.4); c.1261G>A, p.Val421Met (NM_172195.4); short protein forms V400M, V195M, V370M, V386M, V401M, V421M, V422M, V206M.
Identifiers: ClinVar variation 1390878 (VCV001390878.3), dbSNP rs780149885, ClinGen allele CA1576618.

ClinVar aggregate classification (germline): Uncertain significance (1 of 4 stars; one submission).

Allele frequency attached by ClinVar (database versions not stated): gnomAD exomes below 0.00001; ExAC 0.00001; gnomAD 0.00001; TOPMed 0.00003.
gnomAD v4.1: 8 of 1,613,912 alleles (0.0005%); highest among the groups gnomAD compares: East Asian, 0.0022%; no homozygotes.

Submission:

Labcorp Genetics (formerly Invitae), Labcorp
Classification: Uncertain significance. Last evaluated: 2022-08-09. Review status: criteria provided, single submitter. Criteria: Invitae Variant Classification Sherloc (09022015). Collection method: clinical testing. Allele origin: germline.
Comment: This sequence change replaces valine, which is neutral and non-polar, with methionine, which is neutral and non-polar, at codon 400 of the EIF2B4 protein (p.Val400Met). This variant is present in population databases (rs780149885, gnomAD 0.0009%). This variant has not been reported in the literature in individuals affected with EIF2B4-related conditions. ClinVar contains an entry for this variant (Variation ID: 1390878). Algorithms developed to predict the effect of missense changes on protein structure and function are either unavailable or do not agree on the potential impact of this missense change (SIFT: "Deleterious"; PolyPhen-2: "Possibly Damaging"; Align-GVGD: "Class C0"). In summary, the available evidence is currently insufficient to determine the role of this variant in disease. Therefore, it has been classified as a Variant of Uncertain Significance.